The following is an entry in ClinVar:

NM_001330260.2(SCN8A):c.2109T>C (p.Val703=)

Gene: SCN8A (sodium voltage-gated channel alpha subunit 8; plus strand). Cytogenetic location: 12q13.13.
Variant type: single nucleotide variant.
Coding change: c.2109T>C on transcript NM_001330260.2 (MANE Select); coding-DNA position 2109, T replaced by C.
Protein change: p.Val703=; no amino-acid change (valine 703 retained).
Molecular consequence: synonymous variant.
Genome position (GRCh38, 1-based): chr12:51,746,013, T>C. VCF-style: chr12-51746013-T-C. GRCh37 (hg19) VCF-style: chr12-52139797-T-C.
Other names: c.2109T>C, p.Val703= (NM_001177984.3, NM_001369788.1, NM_014191.4).
Identifiers: ClinVar variation 413881 (VCV000413881.45), dbSNP rs369029348, ClinGen allele CA6571419.

ClinVar aggregate classification (germline): Likely benign. Review status: criteria provided, multiple submitters, no conflicts (2 of 4 stars). 8 submissions from 8 submitters: Likely benign (5). 3 of the submissions do not count toward it. Last evaluated 2025-12-21.

Conditions:
Early-infantile DEE. Also called: Early infantile epileptic encephalopathy with suppression bursts; Early infantile epileptic encephalopathy; Ohtahara syndrome. Identifiers: Orphanet 1934, MedGen C0393706, MONDO:0800491.
SCN8A-related disorder.
Inborn genetic diseases. Identifiers: MedGen C0950123, MeSH D030342.

Allele frequency attached by ClinVar (database versions not stated): gnomAD exomes 0.00027 and 0.00060; gnomAD 0.00031 and 0.00033; ExAC 0.00032; TOPMed 0.00037; ESP Exome Variant Server 0.00050.
gnomAD v4.1: 903 of 1,609,592 alleles (0.056%); highest among the groups gnomAD compares: Non-Finnish European, 0.074%; no homozygotes.

Submissions (8):

Labcorp Genetics (formerly Invitae), Labcorp
Classification: Likely benign for Early-infantile DEE. Last evaluated: 2025-12-21. Review status: criteria provided, single submitter. Criteria: Invitae Variant Classification Sherloc (09022015). Collection method: clinical testing. Allele origin: germline.

CeGaT Center for Human Genetics Tuebingen
Classification: Likely benign. Last evaluated: 2025-08-01. Review status: criteria provided, single submitter. Criteria: CeGaT Center For Human Genetics Tuebingen Variant Classification Criteria Version 2. Collection method: clinical testing. Allele origin: germline. Affected: yes. Observed: 3 variant alleles.
Comment: SCN8A: BP4, BP7

Blueprint Genetics
Classification: Likely benign. Last evaluated: 2024-05-13. Review status: criteria provided, single submitter. Criteria: ACMG Guidelines, 2015. Collection method: clinical testing. Allele origin: germline.

GeneDx
Classification: Likely benign. Last evaluated: 2017-12-18. Review status: criteria provided, single submitter. Criteria: GeneDx Variant Classification (06012015). Collection method: clinical testing. Allele origin: germline. Affected: yes.
Comment: This variant is considered likely benign or benign based on one or more of the following criteria: it is a conservative change, it occurs at a poorly conserved position in the protein, it is predicted to be benign by multiple in silico algorithms, and/or has population frequency not consistent with disease.

Ambry Genetics
Classification: Likely benign for Inborn genetic diseases. Last evaluated: 2016-07-07. Review status: criteria provided, single submitter. Criteria: Ambry Variant Classification Scheme 2023. Collection method: clinical testing. Allele origin: germline.

PreventionGenetics, part of Exact Sciences
Classification: Likely benign for SCN8A-related condition. Last evaluated: 2020-12-23. Review status: no assertion criteria provided. Collection method: clinical testing. Allele origin: germline. Not counted in ClinVar's aggregate classification.
Comment: This variant is classified as likely benign based on ACMG/AMP sequence variant interpretation guidelines (Richards et al. 2015 PMID: 25741868, with internal and published modifications).

Clinical Genetics DNA and cytogenetics Diagnostics Lab, Erasmus MC, Erasmus Medical Center
Classification: Likely benign. Review status: no assertion criteria provided. Collection method: clinical testing. Allele origin: germline. Affected: yes. Study: VKGL Data-share Consensus. Not counted in ClinVar's aggregate classification.

Joint Genome Diagnostic Labs from Nijmegen and Maastricht, Radboudumc and MUMC+
Classification: Likely benign. Review status: no assertion criteria provided. Collection method: clinical testing. Allele origin: germline. Affected: yes. Study: VKGL Data-share Consensus. Not counted in ClinVar's aggregate classification.